The following is an entry in ClinVar:

ClinVar aggregate classification (germline): Uncertain significance. Review status: criteria provided, multiple submitters, no conflicts (2 of 4 stars). 2 submissions from 2 submitters: Uncertain significance (2). Last evaluated 2026-09-11.

Conditions:
Hereditary cancer-predisposing syndrome. Also called: Hereditary Cancer Syndrome; Neoplastic Syndromes, Hereditary; Hereditary neoplastic syndrome; Tumor predisposition. Identifiers: Orphanet 140162, MedGen C0027672, MeSH D009386, MONDO:0015356.
Tuberous sclerosis 1 (TSC1). Identifiers: Orphanet 805, MedGen C1854465, MONDO:0008612, OMIM 191100.

Submissions (2):

Ambry Genetics
Classification: Uncertain significance for Hereditary cancer-predisposing syndrome. Last evaluated: 2026-09-11. Review status: criteria provided, single submitter. Criteria: Ambry Variant Classification Scheme 2023. Collection method: clinical testing. Allele origin: germline.
Comment: The p.G20R variant (also known as c.58G>C), located in coding exon 1 of the TSC1 gene, results from a G to C substitution at nucleotide position 58. The glycine at codon 20 is replaced by arginine, an amino acid with dissimilar properties. This amino acid position is conserved. In addition, this alteration is predicted to be tolerated by in silico analysis. Based on the available evidence, the clinical significance of this variant remains unclear.

Labcorp Genetics (formerly Invitae), Labcorp
Classification: Uncertain significance for Tuberous sclerosis 1. Last evaluated: 2025-10-01. Review status: criteria provided, single submitter. Criteria: Invitae Variant Classification Sherloc (09022015). Collection method: clinical testing. Allele origin: germline.
Comment: This sequence change replaces glycine, which is neutral and non-polar, with arginine, which is basic and polar, at codon 20 of the TSC1 protein (p.Gly20Arg). This variant is not present in population databases (gnomAD no frequency). This variant has not been reported in the literature in individuals affected with TSC1-related conditions. ClinVar contains an entry for this variant (Variation ID: 1389685). Invitae Evidence Modeling of protein sequence and biophysical properties (such as structural, functional, and spatial information, amino acid conservation, physicochemical variation, residue mobility, and thermodynamic stability) indicates that this missense variant is not expected to disrupt TSC1 protein function with a negative predictive value of 95%. In summary, the available evidence is currently insufficient to determine the role of this variant in disease. Therefore, it has been classified as a Variant of Uncertain Significance.

NM_000368.5(TSC1):c.58G>C (p.Gly20Arg)

Gene: TSC1 (TSC complex subunit 1; minus strand). Cytogenetic location: 9q34.13.
Variant type: single nucleotide variant.
Coding change: c.58G>C on transcript NM_000368.5 (MANE Select); coding-DNA position 58, G replaced by C.
Protein change: p.Gly20Arg; replaces glycine 20 with arginine.
Molecular consequence: missense variant. On other transcripts: 5 prime UTR variant (1).
Genome position (GRCh38, 1-based): chr9:132,928,815, C>G on the plus strand (G>C on the coding strand, the complement: TSC1 is on the minus strand). VCF-style: chr9-132928815-C-G. GRCh37 (hg19) VCF-style: chr9-135804202-C-G.
Other names: c.58G>C (NM_000368.4); c.58G>C, p.Gly20Arg (NM_001162426.2, NM_001162427.2); c.-202G>C (NM_001362177.2); short protein forms G20R.
Identifiers: ClinVar variation 1389685 (VCV001389685.10), dbSNP rs2132295199, ClinGen allele CA375375355.